The following is an entry in ClinVar:

ClinVar aggregate classification (germline): Uncertain significance (1 of 4 stars; one submission).

Conditions:
CASZ1-related disorder. Also called: CASZ1-related condition.

Submission:

PreventionGenetics, part of Exact Sciences
Classification: Uncertain significance for CASZ1-related condition. Last evaluated: 2026-05-16. Review status: criteria provided, single submitter. Criteria: ACMG Guidelines, 2015. Collection method: clinical testing. Allele origin: germline.
Comment: The CASZ1 c.2509C>A variant is predicted to result in the amino acid substitution p.Pro837Thr. To our knowledge, this variant has not been reported in the literature or in a large population database (gnomAD), indicating this variant is rare. At this time, the clinical significance of this variant is uncertain due to the absence of conclusive functional and genetic evidence.

NM_001079843.3(CASZ1):c.2509C>A (p.Pro837Thr)

Gene: CASZ1 (castor zinc finger 1; minus strand). Cytogenetic location: 1p36.22.
Variant type: single nucleotide variant.
Coding change: c.2509C>A on transcript NM_001079843.3 (MANE Select); coding-DNA position 2509, C replaced by A.
Protein change: p.Pro837Thr; replaces proline 837 with threonine.
Molecular consequence: missense variant.
Genome position (GRCh38, 1-based): chr1:10,653,548, G>T on the plus strand (C>A on the coding strand, the complement: CASZ1 is on the minus strand). VCF-style: chr1-10653548-G-T. GRCh37 (hg19) VCF-style: chr1-10713605-G-T.
Other names: c.2509C>A, p.Pro837Thr (NM_017766.5); short protein forms P837T.
Identifiers: ClinVar variation 4992663 (VCV004992663.1).